The following is an entry in ClinVar:

NM_017999.5(RNF31):c.1868G>A (p.Arg623His)

Gene: RNF31 (ring finger protein 31; plus strand). Cytogenetic location: 14q12.
Variant type: single nucleotide variant.
Coding change: c.1868G>A on transcript NM_017999.5 (MANE Select); coding-DNA position 1868, G replaced by A.
Protein change: p.Arg623His; replaces arginine 623 with histidine.
Molecular consequence: missense variant.
Genome position (GRCh38, 1-based): chr14:24,151,615, G>A. VCF-style: chr14-24151615-G-A. GRCh37 (hg19) VCF-style: chr14-24620824-G-A.
Other names: c.1415G>A, p.Arg472His (NM_001310332.2); c.1868G>A (NM_017999.4); short protein forms R472H, R623H.
Identifiers: ClinVar variation 2710492 (VCV002710492.4), dbSNP rs866230508, ClinGen allele CA257872833.

ClinVar aggregate classification (germline): Uncertain significance. Review status: criteria provided, multiple submitters, no conflicts (2 of 4 stars). 2 submissions from 2 submitters: Uncertain significance (2). Last evaluated 2025-07-02.

Allele frequency attached by ClinVar (database versions not stated): gnomAD 0.00001; TOPMed 0.00001.

Submissions (2):

Labcorp Genetics (formerly Invitae), Labcorp
Classification: Uncertain significance. Last evaluated: 2025-07-02. Review status: criteria provided, single submitter. Criteria: Invitae Variant Classification Sherloc (09022015). Collection method: clinical testing. Allele origin: germline.
Comment: This sequence change replaces arginine, which is basic and polar, with histidine, which is basic and polar, at codon 623 of the RNF31 protein (p.Arg623His). This variant is present in population databases (no rsID available, gnomAD 0.02%). This variant has not been reported in the literature in individuals affected with RNF31-related conditions. ClinVar contains an entry for this variant (Variation ID: 2710492). An algorithm developed to predict the effect of missense changes on protein structure and function (PolyPhen-2) suggests that this variant is likely to be tolerated. In summary, the available evidence is currently insufficient to determine the role of this variant in disease. Therefore, it has been classified as a Variant of Uncertain Significance.

Ambry Genetics
Classification: Uncertain significance. Last evaluated: 2024-04-17. Review status: criteria provided, single submitter. Criteria: Ambry Variant Classification Scheme 2023. Collection method: clinical testing. Allele origin: germline.